The following is an entry in ClinVar:

NM_001355436.2(SPTB):c.3535del (p.Gln1179fs)

Gene: SPTB (spectrin beta, erythrocytic; minus strand). Cytogenetic location: 14q23.3.
Variant type: Deletion.
Coding change: c.3535del on transcript NM_001355436.2 (MANE Select); coding-DNA position 3535, one base deleted (C; older notation c.3535delC).
Protein change: p.Gln1179fs; shifts the reading frame from glutamine 1179.
Molecular consequence: frameshift variant.
Genome position (GRCh38, 1-based): chr14:64,786,430, G deleted on the plus strand (C on the coding strand, the reverse complement: SPTB is on the minus strand). VCF-style (leftmost placement, unchanged base first): chr14-64786429-TG-T. GRCh37 (hg19) VCF-style: chr14-65253147-TG-T.
Other names: c.3535del, p.Gln1179fs (NM_001024858.4, NM_001355437.2); short protein forms Q1179fs.
Identifiers: ClinVar variation 3663526 (VCV003663526.2).

ClinVar aggregate classification (germline): Pathogenic (1 of 4 stars; one submission).

Submission:

Labcorp Genetics (formerly Invitae), Labcorp
Classification: Pathogenic. Last evaluated: 2024-08-27. Review status: criteria provided, single submitter. Criteria: Invitae Variant Classification Sherloc (09022015). Collection method: clinical testing. Allele origin: germline.
Comment: This sequence change creates a premature translational stop signal (p.Gln1179Argfs*47) in the SPTB gene. It is expected to result in an absent or disrupted protein product. Loss-of-function variants in SPTB are known to be pathogenic (PMID: 1391962, 1498324, 8844207, 26830532, 27292444). This variant is not present in population databases (gnomAD no frequency). This variant has not been reported in the literature in individuals affected with SPTB-related conditions. For these reasons, this variant has been classified as Pathogenic.

Literature cited by the submitters: PubMed 1391962; PubMed 1498324; PubMed 8844207; PubMed 26830532; PubMed 27292444.